The following is an entry in ClinVar:

ClinVar aggregate classification (germline): Uncertain significance. Review status: criteria provided, multiple submitters, no conflicts (2 of 4 stars). 2 submissions from 2 submitters: Uncertain significance (2). Last evaluated 2025-11-26.

Submissions (2):

Labcorp Genetics (formerly Invitae), Labcorp
Classification: Uncertain significance. Last evaluated: 2025-11-26. Review status: criteria provided, single submitter. Criteria: Invitae Variant Classification Sherloc (09022015). Collection method: clinical testing. Allele origin: germline.
Comment: This sequence change replaces arginine, which is basic and polar, with proline, which is neutral and non-polar, at codon 700 of the ZBTB20 protein (p.Arg700Pro). This variant is not present in population databases (gnomAD no frequency). This variant has not been reported in the literature in individuals affected with ZBTB20-related conditions. ClinVar contains an entry for this variant (Variation ID: 1712057). Invitae Evidence Modeling of protein sequence and biophysical properties (such as structural, functional, and spatial information, amino acid conservation, physicochemical variation, residue mobility, and thermodynamic stability) indicates that this missense variant is not expected to disrupt ZBTB20 protein function with a negative predictive value of 95%. In summary, the available evidence is currently insufficient to determine the role of this variant in disease. Therefore, it has been classified as a Variant of Uncertain Significance.

GeneDx
Classification: Uncertain significance. Last evaluated: 2022-04-14. Review status: criteria provided, single submitter. Criteria: GeneDx Variant Classification Process June 2021. Collection method: clinical testing. Allele origin: germline. Affected: yes.
Comment: Not observed at significant frequency in large population cohorts (gnomAD); In silico analysis supports that this missense variant does not alter protein structure/function; Has not been previously published as pathogenic or benign to our knowledge

NM_001348800.3(ZBTB20):c.2099G>C (p.Arg700Pro)

Gene: ZBTB20 (zinc finger and BTB domain containing 20; minus strand). Cytogenetic location: 3q13.31.
Variant type: single nucleotide variant.
Coding change: c.2099G>C on transcript NM_001348800.3 (MANE Select); coding-DNA position 2099, G replaced by C.
Protein change: p.Arg700Pro; replaces arginine 700 with proline.
Molecular consequence: missense variant. On other transcripts: non-coding transcript variant (1).
Genome position (GRCh38, 1-based): chr3:114,339,132, C>G on the plus strand (G>C on the coding strand, the complement: ZBTB20 is on the minus strand). VCF-style: chr3-114339132-C-G. GRCh37 (hg19) VCF-style: chr3-114057979-C-G.
Other names: c.2099G>C, p.Arg700Pro (NM_001164342.2, NM_001348803.3, NM_001393393.1 and 1 more transcripts); c.1880G>C, p.Arg627Pro (NM_001164343.2, NM_001164344.4, NM_001164345.4 and 9 more transcripts); short protein forms R627P, R700P.
Identifiers: ClinVar variation 1712057 (VCV001712057.3), dbSNP rs760379885, ClinGen allele CA353999456.
Genomic context (GRCh38, chr3:114,339,132, plus strand): 5'-CAGACGGAGCAGACGTAAGTGGTCCCCTCCGTGCAGGCCACCACGCCTGGGGGGCCAGCG[C>G]GGGCACCTGGGGGTGTGCCTGCAGGGGGGGTCCCATTGCTGGCACTGTGCAGGGCCACGT-3'
Protein context (NP_001335729.1, residues 690-710): TPPAGTPPGA[Arg700Pro]AGPPGVVACT